The following is an entry in ClinVar:

NM_001267550.2(TTN):c.57518_57521del (p.Lys19173fs)

Genes: TTN-AS1 (TTN antisense RNA 1; plus strand), TTN (titin; minus strand). Cytogenetic location: 2q31.2.
Variant type: Microsatellite.
Coding change: c.57518_57521del on transcript NM_001267550.2 (MANE Select); coding-DNA positions 57518 to 57521, 4 bases deleted (AGAA; older notation c.57518_57521delAGAA).
Protein change: p.Lys19173fs; shifts the reading frame from lysine 19173.
Molecular consequence: frameshift variant.
Genome position (GRCh38, 1-based): chr2:178,597,561-178,597,564, TTCT deleted on the plus strand (AGAA on the coding strand, the reverse complement: TTN is on the minus strand); deleting any 4 consecutive bases within chr2:178,597,561-178,597,572 gives the same sequence; the c. name uses the placement nearest the transcript's 3' end. VCF-style (leftmost placement, unchanged base first): chr2-178597560-CTTCT-C. GRCh37 (hg19) VCF-style: chr2-179462287-CTTCT-C.
Other names: c.52595_52598del, p.Lys17532fs (NM_001256850.1); c.30323_30326del, p.Lys10108fs (NM_003319.4); c.49814_49817del, p.Lys16605fs (NM_133378.4); c.30698_30701del, p.Lys10233fs (NM_133432.3); c.30899_30902del, p.Lys10300fs (NM_133437.4); c.30323_30326delAGAA (NM_003319.4); short protein forms K10233fs, K16605fs, K10108fs, K10300fs, K17532fs, K19173fs.
Identifiers: ClinVar variation 1799054 (VCV001799054.3), dbSNP rs760967554, ClinGen allele CA1993041.

ClinVar aggregate classification (germline): Likely pathogenic. Review status: criteria provided, single submitter (1 of 4 stars). 2 submissions from 2 submitters: Likely pathogenic (1). 1 of the submissions does not count toward it. Last evaluated 2021-08-06.

Conditions:
Cardiovascular phenotype. Identifiers: MedGen CN230736.
Dilated cardiomyopathy 1G (CMD1G). Identifiers: Orphanet 154, MedGen C1858763, MONDO:0011400, OMIM 604145.

Submissions (2):

Ambry Genetics
Classification: Likely pathogenic for Cardiovascular phenotype. Last evaluated: 2021-08-06. Review status: criteria provided, single submitter. Criteria: Ambry Variant Classification Scheme 2023. Collection method: clinical testing. Allele origin: germline.
Comment: The c.30323_30326delAGAA variant, located in coding exon 121 of the TTN gene, results from a deletion of 4 nucleotides at nucleotide positions 30323 to 30326, causing a translational frameshift with a predicted alternate stop codon (p.K10108Rfs*8). This exon is located in the A-band region of the N2-B isoform of the titin protein and is constitutively expressed in TTN transcripts (percent spliced in or PSI 100%). This alteration is expected to result in loss of function by premature protein truncation or nonsense-mediated mRNA decay. While truncating variants in TTN are present in 1-3% of the general population, truncating variants in the A-band are the most common cause of dilated cardiomyopathy (DCM) (Herman DS et al. N. Engl. J. Med., 2012 Feb;366:619-28; Roberts AM et al. Sci Transl Med, 2015 Jan;7:270ra6). TTN truncating variants encoded in constitutive exons (PSI >90%) have been found to be significantly associated with DCM regardless of their position in titin (Schafer S et al. Nat. Genet., 2017 01;49:46-53). As such, this alteration is classified as likely pathogenic.

Cardiogenetics and Myogenetics Molecular and Cellular Functional Unit, Aphp Sorbonne University-Hopital Pitie Salpetriere
Classification: Likely pathogenic for Dilated cardiomyopathy 1G. Last evaluated: 2024-01-06. Review status: no assertion criteria provided. Collection method: clinical testing. Allele origin: germline. Affected: yes. Not counted in ClinVar's aggregate classification.